The following is an entry in ClinVar:

ClinVar aggregate classification (germline): Uncertain significance. Review status: criteria provided, multiple submitters, no conflicts (2 of 4 stars). 2 submissions from 2 submitters: Uncertain significance (2). Last evaluated 2024-12-20.

Conditions:
Inborn genetic diseases. Identifiers: MedGen C0950123, MeSH D030342.
Combined oxidative phosphorylation defect type 27. Also called: Combined oxidative phosphorylation deficiency 27. Identifiers: Orphanet 477774, MedGen C5567608, MONDO:0014728, OMIM 616672.

gnomAD v4.1: 8 of 1,613,072 alleles (0.0005%); highest among the groups gnomAD compares: Middle Eastern, 0.05%; no homozygotes.

Submissions (2):

Ambry Genetics
Classification: Uncertain significance for Inborn genetic diseases. Last evaluated: 2024-12-20. Review status: criteria provided, single submitter. Criteria: Ambry Variant Classification Scheme 2023. Collection method: clinical testing. Allele origin: germline.

Labcorp Genetics (formerly Invitae), Labcorp
Classification: Uncertain significance for Combined oxidative phosphorylation defect type 27. Last evaluated: 2022-06-18. Review status: criteria provided, single submitter. Criteria: Invitae Variant Classification Sherloc (09022015). Collection method: clinical testing. Allele origin: germline.
Comment: In summary, the available evidence is currently insufficient to determine the role of this variant in disease. Therefore, it has been classified as a Variant of Uncertain Significance. Algorithms developed to predict the effect of missense changes on protein structure and function are either unavailable or do not agree on the potential impact of this missense change (SIFT: "Tolerated"; PolyPhen-2: "Possibly Damaging"; Align-GVGD: "Class C0"). This variant has not been reported in the literature in individuals affected with CARS2-related conditions. This variant is not present in population databases (gnomAD no frequency). This sequence change replaces isoleucine, which is neutral and non-polar, with valine, which is neutral and non-polar, at codon 176 of the CARS2 protein (p.Ile176Val).

NM_024537.4(CARS2):c.526A>G (p.Ile176Val)

Gene: CARS2 (cysteinyl-tRNA synthetase 2, mitochondrial; minus strand). Cytogenetic location: 13q34.
Variant type: single nucleotide variant.
Coding change: c.526A>G on transcript NM_024537.4 (MANE Select); coding-DNA position 526, A replaced by G.
Protein change: p.Ile176Val; replaces isoleucine 176 with valine.
Molecular consequence: missense variant. On other transcripts: 5 prime UTR variant (1), non-coding transcript variant (2).
Genome position (GRCh38, 1-based): chr13:110,687,766, T>C on the plus strand (A>G on the coding strand, the complement: CARS2 is on the minus strand). VCF-style: chr13-110687766-T-C. GRCh37 (hg19) VCF-style: chr13-111340113-T-C.
Other names: c.-474A>G (NM_001352252.2); c.526A>G, p.Ile176Val (NM_001352253.3); c.526A>G (NM_024537.2); short protein forms I176V.
Identifiers: ClinVar variation 2196376 (VCV002196376.5), dbSNP rs752514843, ClinGen allele CA388738213.